The following is an entry in ClinVar:

ClinVar aggregate classification (germline): Uncertain significance (1 of 4 stars; one submission).

Conditions:
NCOA1-related disorder. Also called: NCOA1-related condition.

gnomAD v4.1: 1 of 1,612,864 alleles (0.000062%); highest among the groups gnomAD compares: Non-Finnish European, 0.000085%; no homozygotes.

Submission:

PreventionGenetics, part of Exact Sciences
Classification: Uncertain significance for NCOA1-related condition. Last evaluated: 2026-07-28. Review status: criteria provided, single submitter. Criteria: ACMG Guidelines, 2015. Collection method: clinical testing. Allele origin: germline.
Comment: The NCOA1 c.3182G>A variant is predicted to result in the amino acid substitution p.Arg1061Gln. To our knowledge, this variant has not been reported in the literature or in a large population database (gnomAD), indicating this variant is rare. At this time, the clinical significance of this variant is uncertain due to the absence of conclusive functional and genetic evidence.

NM_003743.5(NCOA1):c.3182G>A (p.Arg1061Gln)

Gene: NCOA1 (nuclear receptor coactivator 1; plus strand). Cytogenetic location: 2p23.3.
Variant type: single nucleotide variant.
Coding change: c.3182G>A on transcript NM_003743.5 (MANE Select); coding-DNA position 3182, G replaced by A.
Protein change: p.Arg1061Gln; replaces arginine 1061 with glutamine.
Molecular consequence: missense variant.
Genome position (GRCh38, 1-based): chr2:24,729,796, G>A. VCF-style: chr2-24729796-G-A. GRCh37 (hg19) VCF-style: chr2-24952665-G-A.
Other names: c.3182G>A, p.Arg1061Gln (NM_001362950.1, NM_001362952.1, NM_001362954.1 and 3 more transcripts); short protein forms R1061Q.
Identifiers: ClinVar variation 4983831 (VCV004983831.1).